The following is an entry in ClinVar:

NM_000342.4(SLC4A1):c.2481+5A>C

Gene: SLC4A1 (solute carrier family 4 member 1 (Diego blood group); minus strand). Cytogenetic location: 17q21.31.
Variant type: single nucleotide variant.
Coding change: c.2481+5A>C on transcript NM_000342.4 (MANE Select); 5 bases into the intron after coding-DNA position 2481, A replaced by C.
Molecular consequence: intron variant.
Genome position (GRCh38, 1-based): chr17:44,251,414, T>G on the plus strand (A>C on the coding strand, the complement: SLC4A1 is on the minus strand). VCF-style: chr17-44251414-T-G. GRCh37 (hg19) VCF-style: chr17-42328782-T-G.
Identifiers: ClinVar variation 1520055 (VCV001520055.6), dbSNP rs1383997291, ClinGen allele CA772275628.
Genomic context (GRCh38, chr17:44,251,414, plus strand): 5'-AGTGCCTATCACACCCCAGCACCCTCTACCACCCCAGGCTGGGCAGCCAGAAAAGGGTCC[T>G]GTACCCGCTTGACGTAGGGCACATCTGGGTGATACTTGGGTGGCTTGAACAGAAGCAAGA-3'

ClinVar aggregate classification (germline): Uncertain significance (1 of 4 stars; one submission).

Allele frequency attached by ClinVar (database versions not stated): TOPMed 0.00001.

Submission:

Labcorp Genetics (formerly Invitae), Labcorp
Classification: Uncertain significance. Last evaluated: 2021-03-26. Review status: criteria provided, single submitter. Criteria: Invitae Variant Classification Sherloc (09022015). Collection method: clinical testing. Allele origin: germline.
Comment: This variant has not been reported in the literature in individuals with SLC4A1-related conditions. This variant is not present in population databases (ExAC no frequency). This sequence change falls in intron 18 of the SLC4A1 gene. It does not directly change the encoded amino acid sequence of the SLC4A1 protein. It affects a nucleotide within the consensus splice site of the intron. Nucleotide substitutions within the consensus splice site are a relatively common cause of aberrant splicing (PMID: 17576681, 9536098). Algorithms developed to predict the effect of sequence changes on RNA splicing suggest that this variant is not likely to affect RNA splicing, but this prediction has not been confirmed by published transcriptional studies. In summary, the available evidence is currently insufficient to determine the role of this variant in disease. Therefore, it has been classified as a Variant of Uncertain Significance.

Literature cited by the submitters: PubMed 17576681; PubMed 9536098.